The following is an entry in ClinVar:

NM_013275.6(ANKRD11):c.5519C>T (p.Ala1840Val)

Gene: ANKRD11 (ankyrin repeat domain 11; minus strand). Cytogenetic location: 16q24.3.
Variant type: single nucleotide variant.
Coding change: c.5519C>T on transcript NM_013275.6 (MANE Select); coding-DNA position 5519, C replaced by T.
Protein change: p.Ala1840Val; replaces alanine 1840 with valine.
Molecular consequence: missense variant.
Genome position (GRCh38, 1-based): chr16:89,281,023, G>A on the plus strand (C>T on the coding strand, the complement: ANKRD11 is on the minus strand). VCF-style: chr16-89281023-G-A. GRCh37 (hg19) VCF-style: chr16-89347431-G-A.
Other names: c.5519C>T, p.Ala1840Val (NM_001256182.2, NM_001256183.2); short protein forms A1840V.
Identifiers: ClinVar variation 2184264 (VCV002184264.4), dbSNP rs139088883, ClinGen allele CA8241812.

ClinVar aggregate classification (germline): Uncertain significance (1 of 4 stars; one submission).

Conditions:
KBG syndrome (KBGS). Also called: ANKRD11-Related KBG Syndrome. Identifiers: Orphanet 2332, MedGen C0220687, MONDO:0007846, OMIM 148050.

Allele frequency attached by ClinVar (database versions not stated): ExAC 0.00003; gnomAD 0.00004; TOPMed 0.00006; gnomAD exomes 0.00007; ESP Exome Variant Server 0.00023.
gnomAD v4.1: 112 of 1,593,164 alleles (0.007%); highest among the groups gnomAD compares: East Asian, 0.025%; no homozygotes.

Submission:

Labcorp Genetics (formerly Invitae), Labcorp
Classification: Uncertain significance for KBG syndrome. Last evaluated: 2025-11-17. Review status: criteria provided, single submitter. Criteria: Invitae Variant Classification Sherloc (09022015). Collection method: clinical testing. Allele origin: germline.
Comment: This sequence change replaces alanine, which is neutral and non-polar, with valine, which is neutral and non-polar, at codon 1840 of the ANKRD11 protein (p.Ala1840Val). This variant is present in population databases (rs139088883, gnomAD 0.004%). This missense change has been observed in individual(s) with KBG Syndrome (PMID: 35330407). ClinVar contains an entry for this variant (Variation ID: 2184264). Invitae Evidence Modeling of protein sequence and biophysical properties (such as structural, functional, and spatial information, amino acid conservation, physicochemical variation, residue mobility, and thermodynamic stability) indicates that this missense variant is not expected to disrupt ANKRD11 protein function with a negative predictive value of 95%. In summary, the available evidence is currently insufficient to determine the role of this variant in disease. Therefore, it has been classified as a Variant of Uncertain Significance.

Literature cited by the submitters: PubMed 35330407.